The following is an entry in ClinVar:

NC_000014.9:g.104744812del

Gene: ADSS1 (adenylosuccinate synthase 1; plus strand). Cytogenetic location: 14q32.33.
Variant type: Deletion.
Genome position: GRCh38 VCF-style: chr14-104744810-AG-A. GRCh37 (hg19) VCF-style: chr14-105211147-AG-A.
Identifiers: ClinVar variation 1682005 (VCV001682005.6), dbSNP rs2140828534, ClinGen allele CA2573150526.

ClinVar aggregate classification (germline): Pathogenic (1 of 4 stars; one submission).

Submission:

Labcorp Genetics (formerly Invitae), Labcorp
Classification: Pathogenic. Last evaluated: 2025-08-08. Review status: criteria provided, single submitter. Criteria: Invitae Variant Classification Sherloc (09022015). Collection method: clinical testing. Allele origin: germline.
Comment: This sequence change creates a premature translational stop signal (p.Leu402Trpfs*3) in the ADSSL1 gene. It is expected to result in an absent or disrupted protein product. Loss-of-function variants in ADSSL1 are known to be pathogenic (PMID: 26506222). This variant is not present in population databases (gnomAD no frequency). This variant has not been reported in the literature in individuals affected with ADSSL1-related conditions. ClinVar contains an entry for this variant (Variation ID: 1682005). Algorithms developed to predict the effect of sequence changes on RNA splicing suggest that this variant may disrupt the consensus splice site. For these reasons, this variant has been classified as Pathogenic.

Literature cited by the submitters: PubMed 26506222.